The following is an entry in ClinVar:

NM_000069.3(CACNA1S):c.1458G>A (p.Leu486=)

Gene: CACNA1S (calcium voltage-gated channel subunit alpha1 S; minus strand). Cytogenetic location: 1q32.1.
Variant type: single nucleotide variant.
Coding change: c.1458G>A on transcript NM_000069.3 (MANE Select); coding-DNA position 1458, G replaced by A.
Protein change: p.Leu486=; no amino-acid change (leucine 486 retained).
Molecular consequence: synonymous variant.
Genome position (GRCh38, 1-based): chr1:201,078,040, C>T on the plus strand (G>A on the coding strand, the complement: CACNA1S is on the minus strand). VCF-style: chr1-201078040-C-T. GRCh37 (hg19) VCF-style: chr1-201047168-C-T.
Identifiers: ClinVar variation 254794 (VCV000254794.20), dbSNP rs528563981, ClinGen allele CA078249.
Genomic context (GRCh38, chr1:201,078,040, plus strand): 5'-GCTACACACCACGAAGCAGTCGAAGCGGTTGAAGATAGACATGAAGTACTGGCGCAGGCC[C>T]AGCCCGTACATCTTCATCAGCATCTCAGTGGTGAAGAGGGACAGCAGCACCCGGTTGGCA-3'
Protein context (NP_000060.2, residues 476-496): TTEMLMKMYG[Leu486=]GLRQYFMSIF

ClinVar aggregate classification (germline): Conflicting classifications of pathogenicity. Review status: criteria provided, conflicting classifications (1 of 4 stars). 7 submissions from 7 submitters: Uncertain significance (1); Likely benign (6). Last evaluated 2026-01-18.

Conditions:
Hypokalemic periodic paralysis, type 1. Also called: Hypokalemic Periodic Paralysis Type 1 (AD); HypoPP. Identifiers: Orphanet 681, MedGen C3714580, MONDO:0042979, OMIM 170400.
Malignant hyperthermia, susceptibility to, 5 (MHS5). Also called: CACNA1S-Related Malignant Hyperthermia Susceptibility. Identifiers: Orphanet 423, MedGen C1866077, MONDO:0011163, OMIM 601887.
Thyrotoxic periodic paralysis, susceptibility to, 1 (TTPP1). Identifiers: Orphanet 79102, MedGen C2749982, MONDO:0008570, OMIM 188580.

Allele frequency attached by ClinVar (database versions not stated): ExAC 0.00009; gnomAD exomes 0.00012 and 0.00013; gnomAD 0.00015 and 0.00016; TOPMed 0.00025; 1000 Genomes Project 0.00040; 1000 Genomes Project 30x 0.00047.
gnomAD v4.1: 222 of 1,614,226 alleles (0.014%); highest among the groups gnomAD compares: Middle Eastern, 0.082%; no homozygotes.

Submissions (7):

Labcorp Genetics (formerly Invitae), Labcorp
Classification: Likely benign for Hypokalemic periodic paralysis, type 1; Malignant hyperthermia, susceptibility to, 5. Last evaluated: 2026-01-18. Review status: criteria provided, single submitter. Criteria: Invitae Variant Classification Sherloc (09022015). Collection method: clinical testing. Allele origin: germline.

Blueprint Genetics
Classification: Likely benign. Last evaluated: 2024-09-12. Review status: criteria provided, single submitter. Criteria: ACMG Guidelines, 2015. Collection method: clinical testing. Allele origin: germline.

GeneDx
Classification: Uncertain significance. Last evaluated: 2023-09-26. Review status: criteria provided, single submitter. Criteria: GeneDx Variant Classification Process June 2021. Collection method: clinical testing. Allele origin: germline. Affected: yes.
Comment: In silico analysis supports that this variant does not alter splicing; Has not been previously published as pathogenic or benign to our knowledge

Color Diagnostics, LLC DBA Color Health
Classification: Likely benign for Malignant hyperthermia, susceptibility to, 5. Last evaluated: 2022-11-06. Review status: criteria provided, single submitter. Criteria: ACMG Guidelines, 2015. Collection method: clinical testing. Allele origin: germline.

Fulgent Genetics
Classification: Likely benign for Hypokalemic periodic paralysis, type 1; Thyrotoxic periodic paralysis, susceptibility to, 1; Malignant hyperthermia, susceptibility to, 5. Last evaluated: 2021-11-17. Review status: criteria provided, single submitter. Criteria: ACMG Guidelines, 2015. Collection method: clinical testing. Allele origin: unknown.

Illumina Laboratory Services, Illumina
Classification: Likely benign for Hypokalemic periodic paralysis, type 1. Last evaluated: 2018-01-13. Review status: criteria provided, single submitter. Criteria: ICSL Variant Classification Criteria 13 December 2019. Collection method: clinical testing. Allele origin: germline.
Comment: This variant was observed in the ICSL laboratory as part of a predisposition screen in an ostensibly healthy population. It had not been previously curated by ICSL or reported in the Human Gene Mutation Database (HGMD: prior to June 1st, 2018), and was therefore a candidate for classification through an automated scoring system. Utilizing variant allele frequency, disease prevalence and penetrance estimates, and inheritance mode, an automated score was calculated to assess if this variant is too frequent to cause the disease. Based on the score and internal cut-off values, a variant classified as likely benign is not then subjected to further curation. The score for this variant resulted in a classification of likely benign for this disease.

PreventionGenetics, part of Exact Sciences
Classification: Likely benign. Review status: criteria provided, single submitter. Criteria: ACMG Guidelines, 2015. Collection method: clinical testing. Allele origin: germline.